The following is an entry in ClinVar:

NM_000293.3(PHKB):c.1458+16A>G

Gene: PHKB (phosphorylase kinase regulatory subunit beta; plus strand). Cytogenetic location: 16q12.1.
Variant type: single nucleotide variant.
Coding change: c.1458+16A>G on transcript NM_000293.3 (MANE Select); 16 bases into the intron after coding-DNA position 1458, A replaced by G.
Molecular consequence: intron variant.
Genome position (GRCh38, 1-based): chr16:47,610,936, A>G. VCF-style: chr16-47610936-A-G. GRCh37 (hg19) VCF-style: chr16-47644847-A-G.
Other names: c.1458+16A>G (NM_001363837.1); c.1437+16A>G (NM_001031835.3).
Identifiers: ClinVar variation 386605 (VCV000386605.10), dbSNP rs371140883, ClinGen allele CA8040821.

ClinVar aggregate classification (germline): Likely benign. Review status: criteria provided, multiple submitters, no conflicts (2 of 4 stars). 3 submissions from 3 submitters: Likely benign (3). Last evaluated 2026-01-26.

Conditions:
Glycogen storage disease IXb (GSD9B). Also called: GLYCOGENOSIS OF LIVER AND MUSCLE, AUTOSOMAL RECESSIVE; GSD IXb; PHOSPHORYLASE KINASE DEFICIENCY OF LIVER AND MUSCLE, AUTOSOMAL RECESSIVE. Identifiers: Orphanet 79240, MedGen C0543514, MONDO:0009868, OMIM 261750.

Allele frequency attached by ClinVar (database versions not stated): ExAC 0.00062; gnomAD exomes 0.00064 and 0.00067; gnomAD 0.00088 and 0.00093; ESP Exome Variant Server 0.00108; TOPMed 0.00109.
gnomAD v4.1: 996 of 1,429,676 alleles (0.07%); highest among the groups gnomAD compares: Middle Eastern, 0.28%; 1 homozygote.

Submissions (3):

Labcorp Genetics (formerly Invitae), Labcorp
Classification: Likely benign for Glycogen storage disease IXb. Last evaluated: 2026-01-26. Review status: criteria provided, single submitter. Criteria: Invitae Variant Classification Sherloc (09022015). Collection method: clinical testing. Allele origin: germline.

Blueprint Genetics
Classification: Likely benign. Last evaluated: 2024-11-26. Review status: criteria provided, single submitter. Criteria: ACMG Guidelines, 2015. Collection method: clinical testing. Allele origin: germline.

GeneDx
Classification: Likely benign. Last evaluated: 2017-11-02. Review status: criteria provided, single submitter. Criteria: GeneDx Variant Classification (06012015). Collection method: clinical testing. Allele origin: germline. Affected: yes.
Comment: This variant is considered likely benign or benign based on one or more of the following criteria: it is a conservative change, it occurs at a poorly conserved position in the protein, it is predicted to be benign by multiple in silico algorithms, and/or has population frequency not consistent with disease.